The following is an entry in ClinVar:

ClinVar aggregate classification (germline): Benign. Review status: criteria provided, multiple submitters, no conflicts (2 of 4 stars). 2 submissions from 2 submitters: Benign (2). Last evaluated 2017-05-09.

Allele frequency attached by ClinVar (database versions not stated): ExAC 0.13534; gnomAD exomes 0.13640; gnomAD 0.14023; ESP Exome Variant Server 0.14326; TOPMed 0.16562; 1000 Genomes Project 30x 0.20019; 1000 Genomes Project 0.20347.
gnomAD v4.1: 183,868 of 1,612,710 alleles (11%); highest among the groups gnomAD compares: East Asian, 27%; 14,243 homozygotes.

Submissions (2):

GeneDx
Classification: Benign. Last evaluated: 2017-05-09. Review status: criteria provided, single submitter. Criteria: GeneDx Variant Classification (06012015). Collection method: clinical testing. Allele origin: germline. Affected: yes.
Comment: This variant is considered likely benign or benign based on one or more of the following criteria: it is a conservative change, it occurs at a poorly conserved position in the protein, it is predicted to be benign by multiple in silico algorithms, and/or has population frequency not consistent with disease.

Breakthrough Genomics
Classification: Benign. Review status: criteria provided, single submitter. Criteria: ACMG Guidelines, 2015. Collection method: not provided. Allele origin: germline. Inheritance: Unknown mechanism. Affected: yes.

NM_172095.4(CATSPER2):c.169G>A (p.Val57Ile)

Gene: CATSPER2 (cation channel sperm associated 2; minus strand). Cytogenetic location: 15q15.3.
Variant type: single nucleotide variant.
Coding change: c.169G>A on transcript NM_172095.4 (MANE Select); coding-DNA position 169, G replaced by A.
Protein change: p.Val57Ile; replaces valine 57 with isoleucine.
Molecular consequence: missense variant. On other transcripts: non-coding transcript variant (2).
Genome position (GRCh38, 1-based): chr15:43,647,444, C>T on the plus strand (G>A on the coding strand, the complement: CATSPER2 is on the minus strand). VCF-style: chr15-43647444-C-T. GRCh37 (hg19) VCF-style: chr15-43939642-C-T.
Other names: c.169G>A, p.Val57Ile (NM_001282309.3); c.187G>A, p.Val63Ile (NM_001282310.2); short protein forms V57I, V63I.
Identifiers: ClinVar variation 508570 (VCV000508570.2), dbSNP rs8042868, ClinGen allele CA7529024.